The following is an entry in ClinVar:

ClinVar aggregate classification (germline): Uncertain significance (1 of 4 stars; one submission).

gnomAD v4.1: 5 of 1,611,834 alleles (0.00031%); highest among the groups gnomAD compares: Admixed American, 0.0017%; no homozygotes.

Submission:

Dasa
Classification: Uncertain significance. Last evaluated: 2026-07-28. Review status: criteria provided, single submitter. Criteria: DASA Assertion Criteria. Collection method: clinical testing. Allele origin: germline.
Comment: NM_015557.3(CHD5):c.4562A>G (p.Asn1521Ser) is a missense variant that results in the substitution of asparagine with serine. This variant is rare in population databases. The currently available literature and clinical evidence are not sufficient to establish a definitive association between this variant and the reported condition. Therefore, this variant is classified as a variant of uncertain significance.

NM_015557.3(CHD5):c.4562A>G (p.Asn1521Ser)

Gene: CHD5 (chromodomain helicase DNA binding protein 5; minus strand). Cytogenetic location: 1p36.31.
Variant type: single nucleotide variant.
Coding change: c.4562A>G on transcript NM_015557.3 (MANE Select); coding-DNA position 4562, A replaced by G.
Protein change: p.Asn1521Ser; replaces asparagine 1521 with serine.
Molecular consequence: missense variant.
Genome position (GRCh38, 1-based): chr1:6,124,085, T>C on the plus strand (A>G on the coding strand, the complement: CHD5 is on the minus strand). VCF-style: chr1-6124085-T-C. GRCh37 (hg19) VCF-style: chr1-6184145-T-C.
Other names: short protein forms N1521S.
Identifiers: ClinVar variation 5020117 (VCV005020117.1).
Genomic context (GRCh38, chr1:6,124,085, plus strand): 5'-TCGCCCGACTTCTTCCCCTCGGGCCCCTCAGGGATCAAGTCTGGGGTGCTGTACTTCCCG[T>C]TGACATGCTCAAACTCCTGAACCTGGGGTGGTGGGAGGGAAGGTGGAAGGGAAAGAGGGA-3'
Protein context (NP_056372.1, residues 1511-1531): RKKVQEFEHV[Asn1521Ser]GKYSTPDLIP